The following is an entry in ClinVar:

ClinVar aggregate classification (germline): Uncertain significance (1 of 4 stars; one submission).

Submission:

GeneDx
Classification: Uncertain significance. Last evaluated: 2025-05-02. Review status: criteria provided, single submitter. Criteria: GeneDx Variant Classification Process June 2021. Collection method: clinical testing. Allele origin: germline. Affected: yes.
Comment: Identified in one individual from a control cohort; however, individual specific clinical information was not provided (PMID: 20385823); Not observed at significant frequency in large population cohorts (gnomAD); In silico analysis does not support a benign or deleterious effect of this variant on protein structure/function; This variant is associated with the following publications: (PMID: 20385823)

NM_033517.1:c.4636A>G

Gene: SHANK3 (SH3 and multiple ankyrin repeat domains 3; plus strand).
Variant type: single nucleotide variant.
Other names: c.4636A>G (NM_033517.1).
Identifiers: ClinVar variation 4527966 (VCV004527966.1).